The following is an entry in ClinVar:

ClinVar aggregate classification (germline): Uncertain significance (1 of 4 stars; one submission).

Submission:

Labcorp Genetics (formerly Invitae), Labcorp
Classification: Uncertain significance. Last evaluated: 2023-04-20. Review status: criteria provided, single submitter. Criteria: Invitae Variant Classification Sherloc (09022015). Collection method: clinical testing. Allele origin: germline.
Comment: This sequence change falls in intron 22 of the UNC80 gene. It does not directly change the encoded amino acid sequence of the UNC80 protein. This variant is not present in population databases (gnomAD no frequency). This variant has not been reported in the literature in individuals affected with UNC80-related conditions. Algorithms developed to predict the effect of sequence changes on RNA splicing suggest that this variant may disrupt the consensus splice site. In summary, the available evidence is currently insufficient to determine the role of this variant in disease. Therefore, it has been classified as a Variant of Uncertain Significance.

NM_001371986.1(UNC80):c.3628-11A>G

Genes: UNC80 (unc-80 subunit of NALCN channel complex; plus strand), LOC121725110 (Sharpr-MPRA regulatory region 8902; plus strand). Cytogenetic location: 2q34.
Variant type: single nucleotide variant.
Coding change: c.3628-11A>G on transcript NM_001371986.1 (MANE Select); 11 bases into the intron before coding-DNA position 3628, A replaced by G.
Molecular consequence: intron variant.
Genome position (GRCh38, 1-based): chr2:209,872,747, A>G. VCF-style: chr2-209872747-A-G. GRCh37 (hg19) VCF-style: chr2-210737471-A-G.
Other names: c.3634-11A>G (NM_032504.2); c.3619-11A>G (NM_182587.4).
Identifiers: ClinVar variation 2984874 (VCV002984874.3), dbSNP rs2084408986, ClinGen allele CA2740096417.